The following is an entry in ClinVar:

NM_005264.8(GFRA1):c.1002C>T (p.Asp334=)

Gene: GFRA1 (GDNF family receptor alpha 1; minus strand). Cytogenetic location: 10q25.3.
Variant type: single nucleotide variant.
Coding change: c.1002C>T on transcript NM_005264.8 (MANE Select); coding-DNA position 1002, C replaced by T.
Protein change: p.Asp334=; no amino-acid change (aspartic acid 334 retained).
Molecular consequence: synonymous variant.
Genome position (GRCh38, 1-based): chr10:116,093,715, G>A on the plus strand (C>T on the coding strand, the complement: GFRA1 is on the minus strand). VCF-style: chr10-116093715-G-A. GRCh37 (hg19) VCF-style: chr10-117853226-G-A.
Other names: c.987C>T, p.Asp329= (NM_001145453.4, NM_001348096.3, NM_001382556.2 and 6 more transcripts); c.1002C>T, p.Asp334= (NM_001348097.1, NM_001348098.4); c.639C>T, p.Asp213= (NM_001348099.3).
Identifiers: ClinVar variation 3049839 (VCV003049839.2), dbSNP rs199939826, ClinGen allele CA5705224.

ClinVar aggregate classification (germline): Benign (0 of 4 stars; one submission).

Conditions:
GFRA1-related disorder. Also called: GFRA1-related condition.

Allele frequency attached by ClinVar (database versions not stated): ESP Exome Variant Server 0.00008; TOPMed 0.00008; gnomAD 0.00044; gnomAD exomes 0.00072; ExAC 0.00180; 1000 Genomes Project 0.00300; 1000 Genomes Project 30x 0.00312.
gnomAD v4.1: 1,159 of 1,613,828 alleles (0.072%); highest among the groups gnomAD compares: South Asian, 1.2%; 22 homozygotes.

Submission:

PreventionGenetics, part of Exact Sciences
Classification: Benign for GFRA1-related condition. Last evaluated: 2019-02-19. Review status: no assertion criteria provided. Collection method: clinical testing. Allele origin: germline.
Comment: This variant is classified as benign based on ACMG/AMP sequence variant interpretation guidelines (Richards et al. 2015 PMID: 25741868, with internal and published modifications).